The following is an entry in ClinVar:

ClinVar aggregate classification (germline): Uncertain significance. Review status: criteria provided, multiple submitters, no conflicts (2 of 4 stars). 3 submissions from 3 submitters: Uncertain significance (3). Last evaluated 2025-11-05.

Conditions:
Bethlem myopathy 1A. Also called: Bethlem Muscular Dystrophy; Bethlem myopathy 1; MYOPATHY, BENIGN CONGENITAL, WITH CONTRACTURES. Identifiers: Orphanet 610, MedGen CN029274, MONDO:0024530, OMIM 158810.

Allele frequency attached by ClinVar (database versions not stated): ExAC 0.00001; gnomAD exomes 0.00002; gnomAD 0.00003; TOPMed 0.00003.
gnomAD v4.1: 31 of 1,612,846 alleles (0.0019%); highest among the groups gnomAD compares: Admixed American, 0.0033%; no homozygotes.

Submissions (3):

Labcorp Genetics (formerly Invitae), Labcorp
Classification: Uncertain significance for Bethlem myopathy 1A. Last evaluated: 2025-11-05. Review status: criteria provided, single submitter. Criteria: Invitae Variant Classification Sherloc (09022015). Collection method: clinical testing. Allele origin: germline.
Comment: This sequence change replaces valine, which is neutral and non-polar, with isoleucine, which is neutral and non-polar, at codon 619 of the COL6A2 protein (p.Val619Ile). This variant is present in population databases (rs7283272, gnomAD 0.006%). This variant has not been reported in the literature in individuals affected with COL6A2-related conditions. ClinVar contains an entry for this variant (Variation ID: 597053). Invitae Evidence Modeling of protein sequence and biophysical properties (such as structural, functional, and spatial information, amino acid conservation, physicochemical variation, residue mobility, and thermodynamic stability) indicates that this missense variant is not expected to disrupt COL6A2 protein function with a negative predictive value of 80%. In summary, the available evidence is currently insufficient to determine the role of this variant in disease. Therefore, it has been classified as a Variant of Uncertain Significance.

Revvity Omics, Revvity
Classification: Uncertain significance. Last evaluated: 2020-05-04. Review status: criteria provided, single submitter. Criteria: ACMG Guidelines, 2015. Collection method: clinical testing. Allele origin: germline.

Eurofins Ntd Llc (ga)
Classification: Uncertain significance. Last evaluated: 2018-05-07. Review status: criteria provided, single submitter. Criteria: EGL ClinVar v180209 classification definitions. Collection method: clinical testing. Allele origin: germline. Observed: 1 variant allele, 1 heterozygote.

NM_001849.4(COL6A2):c.1855G>A (p.Val619Ile)

Gene: COL6A2 (collagen type VI alpha 2 chain; plus strand). Cytogenetic location: 21q22.3.
Variant type: single nucleotide variant.
Coding change: c.1855G>A on transcript NM_001849.4 (MANE Select); coding-DNA position 1855, G replaced by A.
Protein change: p.Val619Ile; replaces valine 619 with isoleucine.
Molecular consequence: missense variant.
Genome position (GRCh38, 1-based): chr21:46,125,503, G>A. VCF-style: chr21-46125503-G-A. GRCh37 (hg19) VCF-style: chr21-47545417-G-A.
Other names: c.1855G>A, p.Val619Ile (NM_058174.3, NM_058175.3); short protein forms V619I.
Identifiers: ClinVar variation 597053 (VCV000597053.11), dbSNP rs7283272, ClinGen allele CA10072312.